The following is an entry in ClinVar:

ClinVar aggregate classification (germline): Conflicting classifications of pathogenicity. Review status: criteria provided, conflicting classifications (1 of 4 stars). 3 submissions from 3 submitters: Uncertain significance (1); Likely benign (2). Last evaluated 2025-12-13.

Conditions:
Glycine encephalopathy. Also called: Nonketotic hyperglycinemia; Non-ketotic hyperglycinemia. Identifiers: Orphanet 407, MedGen C0751748, MONDO:0011612, HP:0008288.

Allele frequency attached by ClinVar (database versions not stated): ExAC 0.00002; gnomAD exomes 0.00003; gnomAD 0.00005 and 0.00006; TOPMed 0.00008.

Submissions (3):

Labcorp Genetics (formerly Invitae), Labcorp
Classification: Likely benign for Glycine encephalopathy. Last evaluated: 2025-12-13. Review status: criteria provided, single submitter. Criteria: Invitae Variant Classification Sherloc (09022015). Collection method: clinical testing. Allele origin: germline.

Illumina Laboratory Services, Illumina
Classification: Uncertain significance for Glycine encephalopathy 1. Last evaluated: 2018-01-12. Review status: criteria provided, single submitter. Criteria: ICSL Variant Classification Criteria 13 December 2019. Collection method: clinical testing. Allele origin: germline.

GeneDx
Classification: Likely benign. Last evaluated: 2017-03-29. Review status: criteria provided, single submitter. Criteria: GeneDx Variant Classification (06012015). Collection method: clinical testing. Allele origin: germline. Affected: yes.
Comment: This variant is considered likely benign or benign based on one or more of the following criteria: it is a conservative change, it occurs at a poorly conserved position in the protein, it is predicted to be benign by multiple in silico algorithms, and/or has population frequency not consistent with disease.

NM_000481.4(AMT):c.91-9C>T

Gene: AMT (aminomethyltransferase; minus strand). Cytogenetic location: 3p21.31.
Variant type: single nucleotide variant.
Coding change: c.91-9C>T on transcript NM_000481.4 (MANE Select); 9 bases into the intron before coding-DNA position 91, C replaced by T.
Molecular consequence: intron variant.
Genome position (GRCh38, 1-based): chr3:49,422,280, G>A on the plus strand (C>T on the coding strand, the complement: AMT is on the minus strand). VCF-style: chr3-49422280-G-A. GRCh37 (hg19) VCF-style: chr3-49459713-G-A.
Other names: c.90+81C>T (NM_001164711.2); c.91-9C>T (NM_001164710.2, NM_001164712.2).
Identifiers: ClinVar variation 508506 (VCV000508506.15), dbSNP rs761235679, ClinGen allele CA2398477.